The following is an entry in ClinVar:

NM_000540.3(RYR1):c.10173G>A (p.Glu3391=)

Gene: RYR1 (ryanodine receptor 1; plus strand). Cytogenetic location: 19q13.2.
Variant type: single nucleotide variant.
Coding change: c.10173G>A on transcript NM_000540.3 (MANE Select); coding-DNA position 10173, G replaced by A.
Protein change: p.Glu3391=; no amino-acid change (glutamic acid 3391 retained).
Molecular consequence: synonymous variant.
Genome position (GRCh38, 1-based): chr19:38,519,368, G>A. VCF-style: chr19-38519368-G-A. GRCh37 (hg19) VCF-style: chr19-39010008-G-A.
Other names: c.10173G>A, p.Glu3391= (NM_001042723.2).
Identifiers: ClinVar variation 758405 (VCV000758405.12), dbSNP rs199765885, ClinGen allele CA052485.
Genomic context (GRCh38, chr19:38,519,368, plus strand): 5'-GGTGGTGTCCGAGGAGGAGCAGCTGCGCCTGGAGGCCAAGGCGGAGGCCCAGGAGGGCGA[G>A]CTGCTGGTGCGGGACGAGTTCTCTGTGCTCTGCCGGGACCTCTACGCCCTGTATCCGCTG-3'
Protein context (NP_000531.2, residues 3381-3401): LEAKAEAQEG[Glu3391=]LLVRDEFSVL

ClinVar aggregate classification (germline): Benign/Likely benign. Review status: criteria provided, multiple submitters, no conflicts (2 of 4 stars). 4 submissions from 4 submitters: Benign (1); Likely benign (3). Last evaluated 2025-02-16.

Conditions:
RYR1-related disorder. Also called: RYR1-related disorders; RYR1-related condition. Identifiers: MedGen CN239331.
Malignant hyperthermia, susceptibility to, 1 (MHS1). Also called: Anesthesia related hyperthermia; Malignant hyperpyrexia; Fulminating hyperpyrexia; Pharmacogenic myopathy; RYR1-Related Malignant Hyperthermia Susceptibility; Malignant hyperthermia suceptibility 1. Identifiers: Orphanet 423, MedGen C2930980, MONDO:0007783, OMIM 145600.

Allele frequency attached by ClinVar (database versions not stated): TOPMed below 0.00001; gnomAD exomes 0.00007 and 0.00023; gnomAD 0.00019 and 0.00020; ExAC 0.00027; 1000 Genomes Project 30x 0.00047; 1000 Genomes Project 0.00060.
gnomAD v4.1: 134 of 1,609,500 alleles (0.0083%); highest among the groups gnomAD compares: Non-Finnish European, 0.00051%; no homozygotes.

Submissions (4):

Laboratory of Genetics, Children's Clinical University Hospital Latvia
Classification: Likely benign. Last evaluated: 2025-02-16. Review status: criteria provided, single submitter. Criteria: ACMG Guidelines, 2015. Collection method: clinical testing. Allele origin: germline. Affected: yes.

Blueprint Genetics
Classification: Likely benign. Last evaluated: 2024-11-22. Review status: criteria provided, single submitter. Criteria: ACMG Guidelines, 2015. Collection method: clinical testing. Allele origin: germline.

Labcorp Genetics (formerly Invitae), Labcorp
Classification: Benign for RYR1-related disorder. Last evaluated: 2024-02-12. Review status: criteria provided, single submitter. Criteria: Invitae Variant Classification Sherloc (09022015). Collection method: clinical testing. Allele origin: germline.

All of Us Research Program, National Institutes of Health
Classification: Likely benign for Malignant hyperthermia, susceptibility to, 1. Last evaluated: 2023-10-27. Review status: criteria provided, single submitter. Criteria: ACMG Guidelines, 2015. Collection method: clinical testing. Allele origin: germline. Inheritance: Autosomal dominant inheritance. Observed: 2 variant alleles, 2 heterozygotes.
Comment: This study involves interpretation of variants in research participants for the purpose of population health screening. Participant phenotype was not available at the time of variant classification. Additional details can be found in publication PMID: 35346344, PMCID: PMC8962531